The following is an entry in ClinVar:

ClinVar aggregate classification (germline): Uncertain significance (1 of 4 stars; one submission).

Conditions:
Inflammatory bowel disease 25. Also called: Inflammatory bowel disease 25, early onset, autosomal recessive. Identifiers: Orphanet 238569, MedGen C2675508, MONDO:0012941, OMIM 612567.

Allele frequency attached by ClinVar (database versions not stated): gnomAD 0.00001.
gnomAD v4.1: 1 of 1,613,952 alleles (0.000062%); highest among the groups gnomAD compares: Non-Finnish European, 0.000085%; no homozygotes.

Submission:

Labcorp Genetics (formerly Invitae), Labcorp
Classification: Uncertain significance for Inflammatory bowel disease 25, autosomal recessive. Last evaluated: 2019-07-16. Review status: criteria provided, single submitter. Criteria: Invitae Variant Classification Sherloc (09022015). Collection method: clinical testing. Allele origin: germline.
Comment: This sequence change replaces tryptophan with arginine at codon 204 of the IL10RB protein (p.Trp204Arg). The tryptophan residue is moderately conserved and there is a moderate physicochemical difference between tryptophan and arginine. This variant is not present in population databases (ExAC no frequency). This variant has not been reported in the literature in individuals with IL10RB-related conditions. Algorithms developed to predict the effect of missense changes on protein structure and function are either unavailable or do not agree on the potential impact of this missense change (SIFT: "Tolerated"; PolyPhen-2: "Possibly Damaging"; Align-GVGD: "Class C0"). In summary, the available evidence is currently insufficient to determine the role of this variant in disease. Therefore, it has been classified as a Variant of Uncertain Significance.

NM_000628.5(IL10RB):c.610T>C (p.Trp204Arg)

Genes: IL10RB (interleukin 10 receptor subunit beta; plus strand), IFNAR2-IL10RB (IFNAR2-IL10RB readthrough; plus strand). Cytogenetic location: 21q22.11.
Variant type: single nucleotide variant.
Coding change: c.610T>C on transcript NM_000628.5 (MANE Select); coding-DNA position 610, T replaced by C.
Protein change: p.Trp204Arg; replaces tryptophan 204 with arginine.
Molecular consequence: missense variant.
Genome position (GRCh38, 1-based): chr21:33,283,205, T>C. VCF-style: chr21-33283205-T-C. GRCh37 (hg19) VCF-style: chr21-34655510-T-C.
Other names: short protein forms W204R.
Identifiers: ClinVar variation 936447 (VCV000936447.1), dbSNP rs1989311645, ClinGen allele CA410110370.
Genomic context (GRCh38, chr21:33,283,205, plus strand): 5'-TGGACAACTTATTGTGTTCAAGTTCGAGGGTTTCTTCCTGATCGGAACAAAGCTGGGGAA[T>C]GGAGTGAGCCTGTCTGTGAGCAAACAACCCATGACGGTAAGCCCTGAGATGCACCTCCGC-3'
Protein context (NP_000619.3, residues 194-214): FLPDRNKAGE[Trp204Arg]SEPVCEQTTH